The following is an entry in ClinVar:

NM_182961.4(SYNE1):c.15222A>C (p.Lys5074Asn)

Gene: SYNE1 (spectrin repeat containing nuclear envelope protein 1; minus strand). Cytogenetic location: 6q25.2.
Variant type: single nucleotide variant.
Coding change: c.15222A>C on transcript NM_182961.4 (MANE Select); coding-DNA position 15222, A replaced by C.
Protein change: p.Lys5074Asn; replaces lysine 5074 with asparagine.
Molecular consequence: missense variant.
Genome position (GRCh38, 1-based): chr6:152,326,367, T>G on the plus strand (A>C on the coding strand, the complement: SYNE1 is on the minus strand). VCF-style: chr6-152326367-T-G. GRCh37 (hg19) VCF-style: chr6-152647502-T-G.
Other names: c.15009A>C, p.Lys5003Asn (NM_033071.5); c.15222A>C (NM_182961.3); short protein forms K5003N, K5074N.
Identifiers: ClinVar variation 286914 (VCV000286914.13), dbSNP rs780677467, ClinGen allele CA4055858.

ClinVar aggregate classification (germline): Uncertain significance. Review status: criteria provided, multiple submitters, no conflicts (2 of 4 stars). 4 submissions from 4 submitters: Uncertain significance (4). Last evaluated 2021-01-02.

Conditions:
Autosomal recessive ataxia, Beauce type. Also called: Spinocerebellar ataxia, autosomal recessive 8; ATAXIA, RECESSIVE, OF BEAUCE; SYNE1 Deficiency; SYNE1-Related Autosomal Recessive Cerebellar Ataxia. Identifiers: Orphanet 88644, MedGen C1853116, MONDO:0012549, OMIM 610743.
Emery-Dreifuss muscular dystrophy 4, autosomal dominant (EDMD4). Also called: EMERY-DREIFUSS MUSCULAR DYSTROPHY 4 WITH VARIABLE FEATURES. Identifiers: Orphanet 261, MedGen C2751807, MONDO:0013071, OMIM 612998.

Allele frequency attached by ClinVar (database versions not stated): ExAC 0.00002; gnomAD exomes 0.00002 and 0.00003.
gnomAD v4.1: 41 of 1,614,180 alleles (0.0025%); highest among the groups gnomAD compares: South Asian, 0.041%; no homozygotes.

Submissions (4):

Labcorp Genetics (formerly Invitae), Labcorp
Classification: Uncertain significance for Emery-Dreifuss muscular dystrophy 4, autosomal dominant; Autosomal recessive ataxia, Beauce type. Last evaluated: 2021-01-02. Review status: criteria provided, single submitter. Criteria: Invitae Variant Classification Sherloc (09022015). Collection method: clinical testing. Allele origin: germline.
Comment: This sequence change replaces lysine with asparagine at codon 5003 of the SYNE1 protein (p.Lys5003Asn). The lysine residue is highly conserved and there is a moderate physicochemical difference between lysine and asparagine. The frequency data for this variant in the population databases is considered unreliable, as metrics indicate poor data quality at this position in the ExAC database. This variant has not been reported in the literature in individuals with SYNE1-related conditions. ClinVar contains an entry for this variant (Variation ID: 286914). Algorithms developed to predict the effect of missense changes on protein structure and function (SIFT, PolyPhen-2, Align-GVGD) all suggest that this variant is likely to be tolerated, but these predictions have not been confirmed by published functional studies and their clinical significance is uncertain. In summary, the available evidence is currently insufficient to determine the role of this variant in disease. Therefore, it has been classified as a Variant of Uncertain Significance.

Victorian Clinical Genetics Services, Murdoch Childrens Research Institute
Classification: Uncertain significance for Autosomal recessive ataxia, Beauce type. Last evaluated: 2020-10-19. Review status: criteria provided, single submitter. Criteria: ACMG Guidelines, 2015. Collection method: clinical testing. Allele origin: germline. Inheritance: Autosomal recessive inheritance.
Comment: Based on the classification scheme VCGS_Germline_v1.1.1, this variant is classified as 3C - VUS. Following criteria are met: 0102 - Loss-of-function is a known mechanism of disease for this gene. (N) 0104 - Dominant Negative is a mechanism of disease for this gene. (N) 0108 - This gene is known to be associated with both recessive and dominant disease (OMIM). (N) 0200 - Variant is predicted to result in a missense amino acid change from lysine to asparagine (exon 79). (N) 0251 - Variant is heterozygous. (N) 0304 - Variant is present in gnomAD <0.01 for a recessive condition (5 heterozygotes, 0 homozygotes). (P) 0309 - An alternative amino acid change at the same position has been observed in gnomAD (2 heterozygotes, 0 homozygotes). (N) 0503 - Missense variant consistently predicted to be tolerated or not conserved in mammals with a minor amino acid change. (B) 0600 - Variant is located in an annotated domain or motif (SMC B super family; NCBI). (N) 0705 - No comparable variants have previous evidence for pathogenicity. (N) 0804 - Variant has previously been described as variant of uncertain significance (ClinVar). (N) 0905 - No segregation evidence has been identified for this variant. (N) 1007 - No published functional evidence has been identified for this variant. (N) Legend: (P) - Pathogenic, (N) - Neutral, (B) - Benign

GeneDx
Classification: Uncertain significance. Last evaluated: 2017-10-25. Review status: criteria provided, single submitter. Criteria: GeneDx Variant Classification (06012015). Collection method: clinical testing. Allele origin: germline. Affected: yes.
Comment: A variant of uncertain significance has been identified in the SYNE1 gene. The K5003N variant has not been published as a pathogenic variant, nor has it been reported as a benign variant to our knowledge. The K5003N variant is observed in 5/30776 (0.02%) alleles from individuals of South Asian background (Lek et al., 2016). The K5003N variant is a semi-conservative amino acid substitution, which may impact secondary protein structure as these residues differ in some properties. However, this substitution occurs at a position that is not conserved; and in silico analysis predicts this variant likely does not alter the protein structure/function. Therefore, based on the currently available information, it is unclear whether this variant is a pathogenic variant or a rare benign variant.

Eurofins Ntd Llc (ga)
Classification: Uncertain significance. Last evaluated: 2016-03-18. Review status: criteria provided, single submitter. Criteria: EGL Classification Definitions 2015. Collection method: clinical testing. Allele origin: germline. Observed: 1 variant allele, 1 heterozygote.